The following is an entry in ClinVar:

NM_001368067.1(LDB3):c.511G>A (p.Ala171Thr)

Genes: LDB3 (LIM domain binding 3; plus strand), LOC110121486 (VISTA enhancer hs2143; plus strand). Cytogenetic location: 10q23.2.
Variant type: single nucleotide variant.
Coding change: c.511G>A on transcript NM_001368067.1 (MANE Plus Clinical); coding-DNA position 511, G replaced by A.
Protein change: p.Ala171Thr; replaces alanine 171 with threonine.
Molecular consequence: missense variant. On other transcripts: intron variant (5).
Genome position (GRCh38, 1-based): chr10:86,687,235, G>A. VCF-style: chr10-86687235-G-A. GRCh37 (hg19) VCF-style: chr10-88446992-G-A.
Other names: c.511G>A, p.Ala171Thr (NM_001080116.1, NM_001080114.2, NM_001368066.1 and 1 more transcripts); c.856G>A, p.Ala286Thr (NM_001171610.2, NM_001171611.2); c.690-4661G>A (NM_001368064.1, NM_001368063.1, NM_007078.3 and 2 more transcripts); c.511G>A (NM_001080114.1); short protein forms A171T, A286T.
Identifiers: ClinVar variation 163835 (VCV000163835.34), dbSNP rs373632943, ClinGen allele CA176541.

ClinVar aggregate classification (germline): Conflicting classifications of pathogenicity. Review status: criteria provided, conflicting classifications (1 of 4 stars). 8 submissions from 8 submitters: Uncertain significance (4); Likely benign (3). 1 of the submissions does not count toward it. Last evaluated 2026-01-11.

Conditions:
LDB3-related disorder. Also called: LDB3-related condition.
Cardiovascular phenotype. Identifiers: MedGen CN230736.
Myofibrillar myopathy 4. Also called: Zaspopathy (type). Identifiers: Orphanet 98912, MedGen C4721886, MONDO:0012277, OMIM 609452.

Allele frequency attached by ClinVar (database versions not stated): gnomAD 0.00015; TOPMed 0.00015; ESP Exome Variant Server 0.00016; ExAC 0.00041.
gnomAD v4.1: 310 of 1,614,052 alleles (0.019%); highest among the groups gnomAD compares: Middle Eastern, 0.12%; 2 homozygotes.

Submissions (8):

Labcorp Genetics (formerly Invitae), Labcorp
Classification: Likely benign for Myofibrillar myopathy 4. Last evaluated: 2026-01-11. Review status: criteria provided, single submitter. Criteria: Invitae Variant Classification Sherloc (09022015). Collection method: clinical testing. Allele origin: germline.

Blueprint Genetics
Classification: Likely benign. Last evaluated: 2024-11-06. Review status: criteria provided, single submitter. Criteria: ACMG Guidelines, 2015. Collection method: clinical testing. Allele origin: germline.

Revvity Omics, Revvity
Classification: Uncertain significance. Last evaluated: 2024-06-24. Review status: criteria provided, single submitter. Criteria: ACMG Guidelines, 2015. Collection method: clinical testing. Allele origin: germline.

GeneDx
Classification: Likely benign. Last evaluated: 2020-12-22. Review status: criteria provided, single submitter. Criteria: GeneDx Variant Classification Process June 2021. Collection method: clinical testing. Allele origin: germline. Affected: yes.
Comment: This variant is associated with the following publications: (PMID: 24647531, 25351510)

Illumina Laboratory Services, Illumina
Classification: Uncertain significance for Myofibrillar myopathy 4. Last evaluated: 2017-04-27. Review status: criteria provided, single submitter. Criteria: ICSL Variant Classification Criteria 13 December 2019. Collection method: clinical testing. Allele origin: germline.
Comment: This variant was observed as part of a predisposition screen in an ostensibly healthy population. A literature search was performed for the gene, cDNA change, and amino acid change (where applicable). Publications were found based on this search. However, the evidence from the literature, in combination with allele frequency data from public databases where available, was not sufficient to rule this variant in or out of causing disease. Therefore, this variant is classified as a variant of unknown significance.

Ambry Genetics
Classification: Uncertain significance for Cardiovascular phenotype. Last evaluated: 2016-04-08. Review status: criteria provided, single submitter. Criteria: Ambry Variant Classification Scheme 2023. Collection method: clinical testing. Allele origin: germline.
Comment: The p.A171T variant (also known as c.511G>A), located in coding exon 5 of the LDB3 gene, results from a G to A substitution at nucleotide position 511. The alanine at codon 171 is replaced by threonine, an amino acid with similar properties. This variant was previously reported in the SNPDatabase as rs373632943. Based on data from ExAC, the A allele has an overall frequency of approximately 0.04% (44/105556). Based on data from the NHLBI Exome Sequencing Project (ESP), the A allele has an overall frequency of approximately 0.02% (2/12874) total alleles studied and 0.02% (2/8514) European American alleles. This amino acid position is highly conserved in available vertebrate species. In addition, the in silico prediction for this alteration is inconclusive. Since supporting evidence is limited at this time, the clinical significance of this variant remains unclear.

Laboratory for Molecular Medicine, Mass General Brigham Personalized Medicine
Classification: Uncertain significance. Last evaluated: 2013-04-09. Review status: criteria provided, single submitter. Criteria: LMM Criteria. Collection method: clinical testing. Allele origin: germline. Observed: 4 variant alleles.
Comment: The Ala171Thr variant in LDB3 has not been reported in the literature but has pr eviously been identified by our laboratory in 3 individuals of Ashkenazi Jewish ancestry (1 with HCM, 1 with DCM, and 1 with DCM and LVNC). This variant has be en identified in 2/8514 European American chromosomes by the NHLBI Exome Sequenc ing Project. It is possible that this varian t is common in the Ashkenazi Jewish population but appropriate control cohorts w oudl need to be sequenced to determine this. Computational analyses (biochemica l amino acid properties, conservation, AlignGVGD, PolyPhen2, and SIFT) do not pr ovide strong support for or against an impact to the protein. Additional studie s are needed to fully assess the clinical significance of this variant.

PreventionGenetics, part of Exact Sciences
Classification: Likely benign for LDB3-related condition. Last evaluated: 2023-05-04. Review status: no assertion criteria provided. Collection method: clinical testing. Allele origin: germline. Not counted in ClinVar's aggregate classification.
Comment: This variant is classified as likely benign based on ACMG/AMP sequence variant interpretation guidelines (Richards et al. 2015 PMID: 25741868, with internal and published modifications).

Literature cited by the submitters: PubMed 24647531 (cited by Illumina Laboratory Services, Illumina).